The following is an entry in ClinVar:

ClinVar aggregate classification (germline): Uncertain significance. Review status: criteria provided, multiple submitters, no conflicts (2 of 4 stars). 4 submissions from 4 submitters: Uncertain significance (4). Last evaluated 2025-12-16.

Conditions:
Glycogen storage disease due to muscle and heart glycogen synthase deficiency. Also called: GSD 0b; MUSCLE GLYCOGEN SYNTHASE DEFICIENCY. Identifiers: Orphanet 137625, MedGen C1969054, MONDO:0012693, OMIM 611556.
Inborn genetic diseases. Identifiers: MedGen C0950123, MeSH D030342.

Allele frequency attached by ClinVar (database versions not stated): gnomAD 0.00001; TOPMed 0.00001; gnomAD exomes 0.00002 and 0.00004; ExAC 0.00004.
gnomAD v4.1: 34 of 1,614,030 alleles (0.0021%); highest among the groups gnomAD compares: Non-Finnish European, 0.0026%; no homozygotes.

Submissions (4):

Ambry Genetics
Classification: Uncertain significance for Inborn genetic diseases. Last evaluated: 2025-12-16. Review status: criteria provided, single submitter. Criteria: Ambry Variant Classification Scheme 2023. Collection method: clinical testing. Allele origin: germline.

CeGaT Center for Human Genetics Tuebingen
Classification: Uncertain significance. Last evaluated: 2025-01-01. Review status: criteria provided, single submitter. Criteria: CeGaT Center For Human Genetics Tuebingen Variant Classification Criteria Version 2. Collection method: clinical testing. Allele origin: germline. Affected: yes. Observed: 1 variant allele.
Comment: GYS1: PM2

Blueprint Genetics
Classification: Uncertain significance. Last evaluated: 2024-09-09. Review status: criteria provided, single submitter. Criteria: ACMG Guidelines, 2015. Collection method: clinical testing. Allele origin: germline.

Labcorp Genetics (formerly Invitae), Labcorp
Classification: Uncertain significance for Glycogen storage disease due to muscle and heart glycogen synthase deficiency. Last evaluated: 2023-07-07. Review status: criteria provided, single submitter. Criteria: Invitae Variant Classification Sherloc (09022015). Collection method: clinical testing. Allele origin: germline.
Comment: This sequence change replaces alanine, which is neutral and non-polar, with valine, which is neutral and non-polar, at codon 193 of the GYS1 protein (p.Ala193Val). Advanced modeling of protein sequence and biophysical properties (such as structural, functional, and spatial information, amino acid conservation, physicochemical variation, residue mobility, and thermodynamic stability) performed at Invitae indicates that this missense variant is not expected to disrupt GYS1 protein function. ClinVar contains an entry for this variant (Variation ID: 847954). This variant has not been reported in the literature in individuals affected with GYS1-related conditions. This variant is present in population databases (rs750379099, gnomAD 0.007%). In summary, the available evidence is currently insufficient to determine the role of this variant in disease. Therefore, it has been classified as a Variant of Uncertain Significance.

NM_002103.5(GYS1):c.578C>T (p.Ala193Val)

Gene: GYS1 (glycogen synthase 1; minus strand). Cytogenetic location: 19q13.33.
Variant type: single nucleotide variant.
Coding change: c.578C>T on transcript NM_002103.5 (MANE Select); coding-DNA position 578, C replaced by T.
Protein change: p.Ala193Val; replaces alanine 193 with valine.
Molecular consequence: missense variant. On other transcripts: non-coding transcript variant (1).
Genome position (GRCh38, 1-based): chr19:48,985,950, G>A on the plus strand (C>T on the coding strand, the complement: GYS1 is on the minus strand). VCF-style: chr19-48985950-G-A. GRCh37 (hg19) VCF-style: chr19-49489207-G-A.
Other names: c.386C>T, p.Ala129Val (NM_001161587.2); short protein forms A193V, A129V.
Identifiers: ClinVar variation 847954 (VCV000847954.23), dbSNP rs750379099, ClinGen allele CA9563298.